The following is an entry in ClinVar:

NM_138713.4(NFAT5):c.1706T>C (p.Leu569Ser)

Gene: NFAT5 (nuclear factor of activated T cells 5; plus strand). Cytogenetic location: 16q22.1.
Variant type: single nucleotide variant.
Coding change: c.1706T>C on transcript NM_138713.4 (MANE Select); coding-DNA position 1706, T replaced by C.
Protein change: p.Leu569Ser; replaces leucine 569 with serine.
Molecular consequence: missense variant.
Genome position (GRCh38, 1-based): chr16:69,684,902, T>C. VCF-style: chr16-69684902-T-C. GRCh37 (hg19) VCF-style: chr16-69718805-T-C.
Other names: c.1703T>C, p.Leu568Ser (NM_001113178.3); c.1031T>C, p.Leu344Ser (NM_001367709.1); c.1652T>C, p.Leu551Ser (NM_006599.4); c.1424T>C, p.Leu475Ser (NM_138714.4, NM_173214.3, NM_173215.3); short protein forms L344S, L568S, L475S, L551S, L569S.
Identifiers: ClinVar variation 1522738 (VCV001522738.8), dbSNP rs2151702872, ClinGen allele CA396502169.

ClinVar aggregate classification (germline): Uncertain significance (1 of 4 stars; one submission).

Conditions:
Immunodeficiency. Identifiers: MedGen C0021051, MONDO:0021094, HP:0002721.

Submission:

Labcorp Genetics (formerly Invitae), Labcorp
Classification: Uncertain significance for Immunodeficiency. Last evaluated: 2022-06-20. Review status: criteria provided, single submitter. Criteria: Invitae Variant Classification Sherloc (09022015). Collection method: clinical testing. Allele origin: germline.
Comment: In summary, the available evidence is currently insufficient to determine the role of this variant in disease. Therefore, it has been classified as a Variant of Uncertain Significance. Algorithms developed to predict the effect of missense changes on protein structure and function are either unavailable or do not agree on the potential impact of this missense change (SIFT: "Tolerated"; PolyPhen-2: "Possibly Damaging"; Align-GVGD: "Class C0"). This variant has not been reported in the literature in individuals affected with NFAT5-related conditions. This variant is not present in population databases (gnomAD no frequency). This sequence change replaces leucine, which is neutral and non-polar, with serine, which is neutral and polar, at codon 475 of the NFAT5 protein (p.Leu475Ser).